The following is an entry in ClinVar:

NM_001322934.2(NFKB2):c.1699_1734dup (p.Ala567_Leu578dup)

Gene: NFKB2 (nuclear factor kappa B subunit 2; plus strand). Cytogenetic location: 10q24.32.
Variant type: Duplication.
Coding change: c.1699_1734dup on transcript NM_001322934.2 (MANE Select); coding-DNA positions 1699 to 1734, 36 bases duplicated.
Protein change: p.Ala567_Leu578dup.
Molecular consequence: inframe insertion.
Genome position (GRCh38, 1-based): chr10:102,400,392-102,400,427, 36 bases duplicated; duplicating any 36 consecutive bases within chr10:102,400,389-102,400,427 gives the same sequence; the c. name uses the placement nearest the transcript's 3' end. GRCh37 (hg19): chr10:104,160,149-104,160,184.
Other names: c.1699_1734dup, p.Ala567_Leu578dup (NM_001077494.3, NM_001261403.3, NM_001288724.1 and 1 more transcripts); c.1573_1608dup, p.Ala525_Leu536dup (NM_001322935.1).
Identifiers: ClinVar variation 1005790 (VCV001005790.9), dbSNP rs2061210837, ClinGen allele CA931912975.

ClinVar aggregate classification (germline): Uncertain significance (1 of 4 stars; one submission).

Conditions:
Immunodeficiency, common variable, 10. Also called: IMMUNODEFICIENCY, COMMON VARIABLE, WITH CENTRAL ADRENAL INSUFFICIENCY; DEFICIT IN ANTERIOR PITUITARY FUNCTION AND VARIABLE IMMUNODEFICIENCY. Identifiers: MedGen C3809991, MONDO:0014260, OMIM 615577.

Submission:

Labcorp Genetics (formerly Invitae), Labcorp
Classification: Uncertain significance for Immunodeficiency, common variable, 10. Last evaluated: 2025-04-23. Review status: criteria provided, single submitter. Criteria: Invitae Variant Classification Sherloc (09022015). Collection method: clinical testing. Allele origin: germline.
Comment: This variant, c.1699_1734dup, results in the insertion of 12 amino acid(s) of the NFKB2 protein (p.Ala567_Leu578dup), but otherwise preserves the integrity of the reading frame. This variant is not present in population databases (gnomAD no frequency). This variant has not been reported in the literature in individuals affected with NFKB2-related conditions. ClinVar contains an entry for this variant (Variation ID: 1005790). Experimental studies and prediction algorithms are not available or were not evaluated, and the functional significance of this variant is currently unknown. In summary, the available evidence is currently insufficient to determine the role of this variant in disease. Therefore, it has been classified as a Variant of Uncertain Significance.